The following is an entry in ClinVar:

NM_001194998.2(CEP152):c.2985G>T (p.Ala995=)

Gene: CEP152 (centrosomal protein 152; minus strand). Cytogenetic location: 15q21.1.
Variant type: single nucleotide variant.
Coding change: c.2985G>T on transcript NM_001194998.2 (MANE Select); coding-DNA position 2985, G replaced by T.
Protein change: p.Ala995=; no amino-acid change (alanine 995 retained).
Molecular consequence: synonymous variant.
Genome position (GRCh38, 1-based): chr15:48,756,263, C>A on the plus strand (G>T on the coding strand, the complement: CEP152 is on the minus strand). VCF-style: chr15-48756263-C-A. GRCh37 (hg19) VCF-style: chr15-49048460-C-A.
Other names: c.2985G>T, p.Ala995= (NM_014985.4).
Identifiers: ClinVar variation 158248 (VCV000158248.13), dbSNP rs377506426, ClinGen allele CA171719.

ClinVar aggregate classification (germline): Likely benign. Review status: criteria provided, multiple submitters, no conflicts (2 of 4 stars). 3 submissions from 3 submitters: Likely benign (3). Last evaluated 2026-03-01.

Allele frequency attached by ClinVar (database versions not stated): gnomAD 0.00003; TOPMed 0.00004; ESP Exome Variant Server 0.00008.
gnomAD v4.1: 166 of 1,590,852 alleles (0.01%); highest among the groups gnomAD compares: Non-Finnish European, 0.014%; 1 homozygote.

Submissions (3):

CeGaT Center for Human Genetics Tuebingen
Classification: Likely benign. Last evaluated: 2026-03-01. Review status: criteria provided, single submitter. Criteria: CeGaT Center For Human Genetics Tuebingen Variant Classification Criteria Version 2. Collection method: clinical testing. Allele origin: germline. Affected: yes. Observed: 1 variant allele.
Comment: CEP152: BP4, BP7

Labcorp Genetics (formerly Invitae), Labcorp
Classification: Likely benign. Last evaluated: 2025-06-29. Review status: criteria provided, single submitter. Criteria: Invitae Variant Classification Sherloc (09022015). Collection method: clinical testing. Allele origin: germline.

Genetic Services Laboratory, University of Chicago
Classification: Likely benign. Last evaluated: 2014-03-24. Review status: criteria provided, single submitter. Criteria: ACMG Guidelines, 2007. Collection method: clinical testing. Allele origin: germline. Inheritance: Autosomal recessive inheritance.
Comment: Likely benign based on allele frequency in 1000 Genomes Project or ESP global frequency and its presence in a patient with a rare or unrelated disease phenotype. NOT Sanger confirmed